The following is an entry in ClinVar:

NM_000146.4(FTL):c.163T>C (p.Leu55=)

Gene: FTL (ferritin light chain; plus strand). Cytogenetic location: 19q13.33.
Variant type: single nucleotide variant.
Coding change: c.163T>C on transcript NM_000146.4 (MANE Select); coding-DNA position 163, T replaced by C.
Protein change: p.Leu55=; no amino-acid change (leucine 55 retained).
Molecular consequence: synonymous variant.
Genome position (GRCh38, 1-based): chr19:48,965,830, T>C. VCF-style: chr19-48965830-T-C. GRCh37 (hg19) VCF-style: chr19-49469087-T-C.
Other names: p.Leu55=.
Identifiers: ClinVar variation 156440 (VCV000156440.36), dbSNP rs2230267, ClinGen allele CA172201.

ClinVar aggregate classification (germline): Benign. Review status: criteria provided, multiple submitters, no conflicts (2 of 4 stars). 19 submissions from 17 submitters: Benign (13). 6 of the submissions do not count toward it. Last evaluated 2026-02-04.

Conditions:
Neuroferritinopathy (NBIA3). Also called: NEURODEGENERATION WITH BRAIN IRON ACCUMULATION 3; BASAL GANGLIA DISEASE, ADULT-ONSET. Identifiers: Orphanet 157846, MedGen C1853578, MONDO:0011638, OMIM 606159.
Hereditary hyperferritinemia with congenital cataracts. Also called: Hereditary hyperferritinemia cataract syndrome; Bonneau-Beaumont syndrome; HYPERFERRITINEMIA WITH OR WITHOUT CATARACT. Identifiers: Orphanet 163, MedGen C1833213, MONDO:0010952, OMIM 600886.
sporadic abdominal aortic aneurysm.
L-ferritin deficiency (LFTD). Also called: L-FERRITIN DEFICIENCY, AUTOSOMAL DOMINANT. Identifiers: Orphanet 440731, MedGen C3810090, MONDO:0014274, OMIM 615604.

Allele frequency attached by ClinVar (database versions not stated): 1000 Genomes Project 0.46066; 1000 Genomes Project 30x 0.46237; ExAC 0.49791; gnomAD exomes 0.50097 and 0.52424; gnomAD 0.50826 and 0.51379; TOPMed 0.51710; ESP Exome Variant Server 0.51953.
gnomAD v4.1: 843,465 of 1,613,848 alleles (52%); highest among the groups gnomAD compares: Middle Eastern, 56%; 222,359 homozygotes.

Submissions (19):

Labcorp Genetics (formerly Invitae), Labcorp
Classification: Benign for Neuroferritinopathy; Hereditary hyperferritinemia with congenital cataracts. Last evaluated: 2026-02-04. Review status: criteria provided, single submitter. Criteria: Invitae Variant Classification Sherloc (09022015). Collection method: clinical testing. Allele origin: germline.

Blueprint Genetics
Classification: Benign. Last evaluated: 2024-11-28. Review status: criteria provided, single submitter. Criteria: ACMG Guidelines, 2015. Collection method: clinical testing. Allele origin: germline.

Unidad de Genómica Garrahan, Hospital de Pediatría Garrahan
Classification: Benign. Last evaluated: 2024-07-31. Review status: criteria provided, single submitter. Criteria: ACMG Guidelines, 2015. Collection method: clinical testing. Allele origin: germline. Affected: no. Observed: 69 variant alleles.
Comment: This variant is classified as Benign based on local population frequency. This variant was detected in 74% of patients studied in a panel designed for Epileptic and Developmental Encephalopathy, Progressive Myoclonus Epilepsy and Abnormal Movements and Neurodegeneration with brain iron accumulation. Number of patients: 69. Only high quality variants are reported.

Department of Pathology and Laboratory Medicine, Sinai Health System
Classification: Benign for Hereditary hyperferritinemia with congenital cataracts; Neuroferritinopathy; L-ferritin deficiency. Last evaluated: 2023-04-17. Review status: criteria provided, single submitter. Criteria: ACMG Guidelines, 2015. Collection method: research. Allele origin: germline.

Mayo Clinic Laboratories, Mayo Clinic
Classification: Benign. Last evaluated: 2022-03-24. Review status: criteria provided, single submitter. Criteria: ACMG Guidelines, 2015. Collection method: clinical testing. Allele origin: germline. Observed: 490 variant alleles.

Genome-Nilou Lab
Classification: Benign for Hereditary hyperferritinemia with congenital cataracts. Last evaluated: 2021-08-10. Review status: criteria provided, single submitter. Criteria: ACMG Guidelines, 2015. Collection method: clinical testing. Allele origin: germline. Affected: no.

Genome-Nilou Lab
Classification: Benign for L-ferritin deficiency. Last evaluated: 2021-08-10. Review status: criteria provided, single submitter. Criteria: ACMG Guidelines, 2015. Collection method: clinical testing. Allele origin: germline. Affected: no.

Genome-Nilou Lab
Classification: Benign for Neuroferritinopathy. Last evaluated: 2021-08-10. Review status: criteria provided, single submitter. Criteria: ACMG Guidelines, 2015. Collection method: clinical testing. Allele origin: germline. Affected: no.

Mendelics
Classification: Benign for Hereditary hyperferritinemia with congenital cataracts. Last evaluated: 2019-05-28. Review status: criteria provided, single submitter. Criteria: Mendelics Assertion Criteria 2017. Collection method: clinical testing. Allele origin: unknown.

GeneDx
Classification: Benign. Last evaluated: 2018-03-24. Review status: criteria provided, single submitter. Criteria: GeneDx Variant Classification (06012015). Collection method: clinical testing. Allele origin: germline. Affected: yes.
Comment: This variant is considered likely benign or benign based on one or more of the following criteria: it is a conservative change, it occurs at a poorly conserved position in the protein, it is predicted to be benign by multiple in silico algorithms, and/or has population frequency not consistent with disease.

Genetic Services Laboratory, University of Chicago
Classification: Benign. Last evaluated: 2013-08-15. Review status: criteria provided, single submitter. Criteria: ACMG Guidelines, 2007. Collection method: clinical testing. Allele origin: germline. Inheritance: Autosomal dominant inheritance.

Breakthrough Genomics
Classification: Benign. Review status: criteria provided, single submitter. Criteria: ACMG Guidelines, 2015. Collection method: not provided. Allele origin: germline. Inheritance: Autosomal recessive inheritance. Affected: yes.

PreventionGenetics, part of Exact Sciences
Classification: Benign. Review status: criteria provided, single submitter. Criteria: ACMG Guidelines, 2015. Collection method: clinical testing. Allele origin: germline.

TilsonLab, Columbia University
Classification: Likely pathogenic for sporadic abdominal aortic aneurysm. Last evaluated: 2014-09-21. Review status: no assertion criteria provided. Collection method: research. Allele origin: unknown. Affected: yes. Observed: 15 variant alleles. Not counted in ClinVar's aggregate classification.
Comment: Observed frequency is 15/19 = 0.789 patients with abdominal aortic aneurysm versus heterozygosity is described in "Variation Viewer" as 0.496.

Abdominal Aortic Aneurysm (AAA) Mutations/Polymorphisms

Clinical Genetics DNA and cytogenetics Diagnostics Lab, Erasmus MC, Erasmus Medical Center
Classification: Benign. Review status: no assertion criteria provided. Collection method: clinical testing. Allele origin: germline. Affected: yes. Study: VKGL Data-share Consensus. Not counted in ClinVar's aggregate classification.

Diagnostic Laboratory, Department of Genetics, University Medical Center Groningen
Classification: Benign. Review status: no assertion criteria provided. Collection method: clinical testing. Allele origin: germline. Affected: yes. Study: VKGL Data-share Consensus. Not counted in ClinVar's aggregate classification.

Genome Diagnostics Laboratory, Amsterdam University Medical Center
Classification: Benign. Review status: no assertion criteria provided. Collection method: clinical testing. Allele origin: germline. Affected: yes. Study: VKGL Data-share Consensus. Not counted in ClinVar's aggregate classification.

Genome Diagnostics Laboratory, University Medical Center Utrecht
Classification: Benign. Review status: no assertion criteria provided. Collection method: clinical testing. Allele origin: germline. Affected: yes. Study: VKGL Data-share Consensus. Not counted in ClinVar's aggregate classification.

Joint Genome Diagnostic Labs from Nijmegen and Maastricht, Radboudumc and MUMC+
Classification: Benign. Review status: no assertion criteria provided. Collection method: clinical testing. Allele origin: germline. Affected: yes. Study: VKGL Data-share Consensus. Not counted in ClinVar's aggregate classification.

Literature cited by the submitters: PubMed 17182944 (cited by TilsonLab, Columbia University).